The following is an entry in ClinVar:

NM_007175.8(ERLIN2):c.237-20G>A

Gene: ERLIN2 (ER lipid raft associated 2; plus strand). Cytogenetic location: 8p11.23.
Variant type: single nucleotide variant.
Coding change: c.237-20G>A on transcript NM_007175.8 (MANE Select); 20 bases into the intron before coding-DNA position 237, G replaced by A.
Molecular consequence: intron variant.
Genome position (GRCh38, 1-based): chr8:37,744,335, G>A. VCF-style: chr8-37744335-G-A. GRCh37 (hg19) VCF-style: chr8-37601853-G-A.
Other names: c.237-20G>A (NM_001362878.2, NM_001362880.2, NM_001003790.4 and 1 more transcripts).
Identifiers: ClinVar variation 682602 (VCV000682602.1), dbSNP rs1260168729, ClinGen allele CA851424336.

ClinVar aggregate classification (germline): Likely benign (1 of 4 stars; one submission).

Allele frequency attached by ClinVar (database versions not stated): gnomAD 0.00001; TOPMed 0.00001.
gnomAD v4.1: 12 of 1,608,652 alleles (0.00075%); highest among the groups gnomAD compares: African/African-American, 0.0013%; no homozygotes.

Submission:

GeneDx
Classification: Likely benign. Last evaluated: 2018-05-09. Review status: criteria provided, single submitter. Criteria: GeneDx Variant Classification (06012015). Collection method: clinical testing. Allele origin: germline. Affected: yes.
Comment: This variant is considered likely benign or benign based on one or more of the following criteria: it is a conservative change, it occurs at a poorly conserved position in the protein, it is predicted to be benign by multiple in silico algorithms, and/or has population frequency not consistent with disease.